The following is an entry in ClinVar:

ClinVar aggregate classification (germline): Pathogenic (1 of 4 stars; one submission).

Conditions:
Severe myoclonic epilepsy in infancy (DRVT). Also called: Epileptic encephalopathy, early infantile, 6 (Dravet syndrome); SEVERE MYOCLONIC EPILEPSY OF INFANCY; DEVELOPMENTAL AND EPILEPTIC ENCEPHALOPATHY 6A; Severe Myoclonic Epilepsy in Infancy (SMEI); Dravet syndrome. Identifiers: Orphanet 33069, MedGen C0751122, MONDO:0100135, OMIM 607208.

Submission:

Center for Bioinformatics, Peking University
Classification: Pathogenic for Dravet syndrome. Last evaluated: 2014-12-20. Review status: criteria provided, single submitter. Criteria: Xu et al. (Hum Mutat. 2015). Collection method: research. Allele origin: de novo. Affected: yes. Observed: 1 variant allele. Study: University Clinical Cooperation “985 Project” PKU-2014-1-1.
Comment: Dravet syndrome (DS) probands were recruited from the outpatient and inpatient child neurology units of Peking University First Hospital from 2005 till present. The study was approved by the Ethics Committee of Peking University First Hospital and the Institutional Review Board at Peking University. Participants or their parents provided written informed consent before enrollment. We collected a total of 267 mutations from 255 families with probands diagnosed with DS in China. All probands fulfilled the clinical diagnostic criteria.

NM_001165963.4(SCN1A):c.2603del (p.Lys868fs)

Gene: SCN1A (sodium voltage-gated channel alpha subunit 1; minus strand). Cytogenetic location: 2q24.3.
Variant type: Deletion.
Coding change: c.2603del on transcript NM_001165963.4 (MANE Select); coding-DNA position 2603, one base deleted (A; older notation c.2603delA).
Protein change: p.Lys868fs; shifts the reading frame from lysine 868.
Molecular consequence: frameshift variant. On other transcripts: non-coding transcript variant (1).
Genome position (GRCh38, 1-based): chr2:166,038,119, T deleted on the plus strand (A on the coding strand, the reverse complement: SCN1A is on the minus strand); the first of 2 consecutive T bases (chr2:166,038,119-166,038,120); deleting either gives the same sequence. VCF-style (leftmost placement, unchanged base first): chr2-166038118-CT-C. GRCh37 (hg19) VCF-style: chr2-166894628-CT-C.
Other names: c.2519del, p.Lys840fs (NM_001165964.3, NM_001353957.2, NM_001353958.2); c.2603del, p.Lys868fs (NM_001202435.3, NM_001353948.2); c.2570del, p.Lys857fs (NM_001353949.2, NM_001353950.2, NM_001353951.2 and 2 more transcripts); c.2567del, p.Lys856fs (NM_001353954.2, NM_001353955.2); c.2516del, p.Lys839fs (NM_001353960.2); c.161del, p.Lys54fs (NM_001353961.2); short protein forms K839fs, K868fs, K857fs, K54fs, K840fs, K856fs.
Identifiers: ClinVar variation 189950 (VCV000189950.1), dbSNP rs794726787, ClinGen allele CA303387.